The following is an entry in ClinVar:

NM_000138.5(FBN1):c.5667_5668insTTGGA (p.Ile1892fs)

Gene: FBN1 (fibrillin 1; minus strand). Cytogenetic location: 15q21.1.
Variant type: Insertion.
Coding change: c.5667_5668insTTGGA on transcript NM_000138.5 (MANE Select); coding-DNA positions 5667 to 5668, TTGGA inserted.
Protein change: p.Ile1892fs; shifts the reading frame from isoleucine 1892.
Molecular consequence: frameshift variant.
Genome position: GRCh38 VCF-style: chr15-48448767-C-CCCAAT. GRCh37 (hg19) VCF-style: chr15-48740964-C-CCCAAT.
Other names: c.5667_5668insTTGGA, p.Ile1892fs (NM_001406716.1); short protein forms I1892fs.
Identifiers: ClinVar variation 3235700 (VCV003235700.1), dbSNP rs2505463062, ClinGen allele CA2825002265.

ClinVar aggregate classification (germline): Likely pathogenic (1 of 4 stars; one submission).

Conditions:
Marfan syndrome (MFS). Also called: MARFAN SYNDROME, TYPE I; Marfan syndrome type 1; Marfan's syndrome; Marfan syndrome, classic; FBN1-Related Marfan Syndrome. Identifiers: Orphanet 284963, Orphanet 558, MedGen C0024796, MONDO:0007947, OMIM 154700.

Submission:

Regional Center For Medical Genetics Timis, Louis Turcanu Emergency Hospital for Children Timisoara
Classification: Likely pathogenic for Marfan syndrome. Last evaluated: 2024-04-28. Review status: criteria provided, single submitter. Criteria: ACMG Guidelines, 2015. Collection method: research. Allele origin: unknown. Affected: yes. Observed: 1 heterozygote.
Comment: The variant is not present in population databases (gnomAD v4.0.0, genomes, and exomes). This variant reduces, in silico (SpliceAI), the efficiency of the regional donor splice site and creates a new donor site. This event creates a frameshift in the final transcript. In the same genomic region, other splicing variants with similar predictions have been previously reported as pathogenic (class 5) in clinical databases in association with Marfan syndrome. For these reasons (PVS1, PM2_Supporting, PS1_Supporting), the variant in the FBN1 gene was classified as likely pathogenic (class 4), according to the ACMG 2015 guidelines and ClinGen recommendations.